The following is an entry in ClinVar:

ClinVar aggregate classification (germline): Uncertain significance (1 of 4 stars; one submission).

Conditions:
Hereditary cancer-predisposing syndrome. Also called: Tumor predisposition; Hereditary Cancer Syndrome; Neoplastic Syndromes, Hereditary; Hereditary neoplastic syndrome. Identifiers: Orphanet 140162, MedGen C0027672, MeSH D009386, MONDO:0015356.

Submission:

Ambry Genetics
Classification: Uncertain significance for Hereditary cancer-predisposing syndrome. Last evaluated: 2015-08-15. Review status: criteria provided, single submitter. Criteria: Ambry Variant Classification Scheme 2023. Collection method: clinical testing. Allele origin: germline.
Comment: The p.N854D variant (also known as c.2560A>G), located in coding exon 6 of the PALB2 gene, results from an A to G substitution at nucleotide position 2560. The asparagine at codon 854 is replaced by aspartic acid, an amino acid with highly similar properties. This variant was not reported in population based cohorts in the following databases: Database of Single Nucleotide Polymorphisms (dbSNP), NHLBI Exome Sequencing Project (ESP), and 1000 Genomes Project. In the ESP, this variant was not observed in 6497 samples (12994 alleles) with coverage at this position. To date, this alteration has been detected with an allele frequency of approximately 0.001% (greater than 70000 alleles tested) in our clinical cohort. This amino acid position is not well conserved in available vertebrate species. In addition, this alteration is predicted to be tolerated by in silico analysis. Since supporting evidence is limited at this time, the clinical significance of p.N854D remains unclear.

NM_024675.4(PALB2):c.2560A>G (p.Asn854Asp)

Gene: PALB2 (partner and localizer of BRCA2; minus strand). Cytogenetic location: 16p12.2.
Variant type: single nucleotide variant.
Coding change: c.2560A>G on transcript NM_024675.4 (MANE Select); coding-DNA position 2560, A replaced by G.
Protein change: p.Asn854Asp; replaces asparagine 854 with aspartic acid.
Molecular consequence: missense variant.
Genome position (GRCh38, 1-based): chr16:23,629,230, T>C on the plus strand (A>G on the coding strand, the complement: PALB2 is on the minus strand). VCF-style: chr16-23629230-T-C. GRCh37 (hg19) VCF-style: chr16-23640551-T-C.
Other names: c.2500A>G, p.Asn834Asp (NM_001407296.1); c.2560A>G, p.Asn854Asp (NM_001407298.1, NM_001407299.1, NM_001407300.1 and 2 more transcripts); c.1675A>G, p.Asn559Asp (NM_001407304.1, NM_001407305.1, NM_001407306.1 and 5 more transcripts); c.772A>G, p.Asn258Asp (NM_001407312.1, NM_001407313.1); c.94A>G, p.Asn32Asp (NM_001407314.1); short protein forms N258D, N559D, N32D, N834D, N854D.
Identifiers: ClinVar variation 1793108 (VCV001793108.2), dbSNP rs1567216856, ClinGen allele CA395123738.